The following is an entry in ClinVar:

NM_020458.4(TTC7A):c.1589G>A (p.Ser530Asn)

Gene: TTC7A (tetratricopeptide repeat domain 7A; plus strand). Cytogenetic location: 2p21.
Variant type: single nucleotide variant.
Coding change: c.1589G>A on transcript NM_020458.4 (MANE Select); coding-DNA position 1589, G replaced by A.
Protein change: p.Ser530Asn; replaces serine 530 with asparagine.
Molecular consequence: missense variant.
Genome position (GRCh38, 1-based): chr2:47,024,307, G>A. VCF-style: chr2-47024307-G-A. GRCh37 (hg19) VCF-style: chr2-47251446-G-A.
Other names: c.1589G>A, p.Ser530Asn (NM_001288951.2); c.1487G>A, p.Ser496Asn (NM_001288953.2); c.527G>A, p.Ser176Asn (NM_001288955.2); short protein forms S176N, S530N, S496N.
Identifiers: ClinVar variation 1394275 (VCV001394275.6), dbSNP rs1679634989, ClinGen allele CA346716348.

ClinVar aggregate classification (germline): Uncertain significance (1 of 4 stars; one submission).

Conditions:
Multiple gastrointestinal atresias. Also called: Multiple intestinal atresia; FAMILIAL INTESTINAL POLYATRESIA SYNDROME. Identifiers: Orphanet 2300, MedGen C0220744, MONDO:0009465.

Allele frequency attached by ClinVar (database versions not stated): gnomAD 0.00001; TOPMed 0.00001.

Submission:

Labcorp Genetics (formerly Invitae), Labcorp
Classification: Uncertain significance for Multiple gastrointestinal atresias. Last evaluated: 2022-03-18. Review status: criteria provided, single submitter. Criteria: Invitae Variant Classification Sherloc (09022015). Collection method: clinical testing. Allele origin: germline.
Comment: This sequence change replaces serine, which is neutral and polar, with asparagine, which is neutral and polar, at codon 530 of the TTC7A protein (p.Ser530Asn). This variant is not present in population databases (gnomAD no frequency). This variant has not been reported in the literature in individuals affected with TTC7A-related conditions. Algorithms developed to predict the effect of missense changes on protein structure and function output the following: SIFT: "Tolerated"; PolyPhen-2: "Benign"; Align-GVGD: "Class C0". The asparagine amino acid residue is found in multiple mammalian species, which suggests that this missense change does not adversely affect protein function. In summary, the available evidence is currently insufficient to determine the role of this variant in disease. Therefore, it has been classified as a Variant of Uncertain Significance.